The following is an entry in ClinVar:

ClinVar aggregate classification (germline): Uncertain significance (1 of 4 stars; one submission).

Conditions:
Polycystic kidney disease 4 (PKD4). Also called: POLYCYSTIC KIDNEY AND HEPATIC DISEASE 1; POLYCYSTIC KIDNEY DISEASE, INFANTILE, TYPE I; POLYCYSTIC KIDNEY DISEASE 4 WITH OR WITHOUT POLYCYSTIC LIVER DISEASE; PKD3; Autosomal Recessive Polycystic Kidney Disease – PKHD1. Identifiers: MedGen C4540575, MONDO:0033004, OMIM 263200.

Submission:

MVZ Medizinische Genetik Mainz
Classification: Uncertain significance for Polycystic kidney disease 4. Last evaluated: 2025-08-11. Review status: criteria provided, single submitter. Criteria: UK Practice Guidelines For Variant Classification V4 01 2020. Collection method: clinical testing. Allele origin: germline. Inheritance: Autosomal recessive inheritance. Affected: yes. Observed: 1 variant allele.
Comment: ACMG Criteria: PP3_MOD,PM2_SUP,PM3_SUP

NM_138694.4(PKHD1):c.4907T>C (p.Leu1636Pro)

Genes: PKHD1 (PKHD1 ciliary IPT domain containing fibrocystin/polyductin; minus strand), LOC126859690 (MED14-independent group 3 enhancer GRCh37_chr6:51888848-51890047; plus strand). Cytogenetic location: 6p12.2.
Variant type: single nucleotide variant.
Coding change: c.4907T>C on transcript NM_138694.4 (MANE Select); coding-DNA position 4907, T replaced by C.
Protein change: p.Leu1636Pro; replaces leucine 1636 with proline.
Molecular consequence: missense variant.
Genome position (GRCh38, 1-based): chr6:52,024,903, A>G on the plus strand (T>C on the coding strand, the complement: PKHD1 is on the minus strand). VCF-style: chr6-52024903-A-G. GRCh37 (hg19) VCF-style: chr6-51889701-A-G.
Other names: c.4907T>C, p.Leu1636Pro (NM_170724.3); short protein forms L1636P.
Identifiers: ClinVar variation 4077070 (VCV004077070.1).
Genomic context (GRCh38, chr6:52,024,903, plus strand): 5'-AAGGCCTTGTTATAACCAATGACTCCTATGTGATACCAAAGTCCATCTACCTCTATTTCC[A>G]GGGCAACAGAGCCATTCCCTGTGGGAACAATGCACCGGATGAGCTCAGCACCGATGTTCA-3'
Protein context (NP_619639.3, residues 1626-1646): IVPTGNGSVA[Leu1636Pro]EIEVDGLWYH